The following is an entry in ClinVar:

NM_000283.4(PDE6B):c.1580T>C (p.Leu527Pro)

Gene: PDE6B (phosphodiesterase 6B; plus strand). Cytogenetic location: 4p16.3.
Variant type: single nucleotide variant.
Coding change: c.1580T>C on transcript NM_000283.4 (MANE Select); coding-DNA position 1580, T replaced by C.
Protein change: p.Leu527Pro; replaces leucine 527 with proline.
Molecular consequence: missense variant.
Genome position (GRCh38, 1-based): chr4:660,579, T>C. VCF-style: chr4-660579-T-C. GRCh37 (hg19) VCF-style: chr4-654368-T-C.
Other names: c.1580T>C, p.Leu527Pro (NM_001145291.2); c.743T>C, p.Leu248Pro (NM_001145292.2, NM_001350154.3, NM_001379246.1 and 1 more transcripts); c.425T>C, p.Leu142Pro (NM_001350155.3); short protein forms L527P, L248P, L142P.
Identifiers: ClinVar variation 378339 (VCV000378339.25), dbSNP rs760766981, ClinGen allele CA2794577.

ClinVar aggregate classification (germline): Conflicting classifications of pathogenicity. Review status: criteria provided, conflicting classifications (1 of 4 stars). 9 submissions from 9 submitters: Pathogenic (2); Likely pathogenic (3); Uncertain significance (3). 1 of the submissions does not count toward it. Last evaluated 2025-03-30.

Conditions:
Retinal dystrophy. Also called: Inherited retinal dystrophy. Identifiers: Orphanet 71862, MedGen C0854723, MeSH D058499, MONDO:0019118, HP:0000556.
Retinitis pigmentosa 40 (RP40). Identifiers: Orphanet 791, MedGen C3151107, MONDO:0013429, OMIM 613801.
Congenital stationary night blindness autosomal dominant 2. Also called: NIGHT BLINDNESS, CONGENITAL STATIONARY, RAMBUSCH TYPE. Identifiers: Orphanet 215, MedGen C1876182, MONDO:0008099, OMIM 163500.
PDE6B-related disorder. Also called: PDE6B-related disorders; PDE6B-related disease; PDE6B-related condition.
Retinitis pigmentosa (RP). Identifiers: Orphanet 791, MedGen C0035334, MeSH D012174, MONDO:0019200, OMIM 268000. Inheritance: Autosomal dominant, autosomal recessive and X linked inheritance.

Allele frequency attached by ClinVar (database versions not stated): gnomAD 0.00002; TOPMed 0.00002; gnomAD exomes 0.00005 and 0.00007; ExAC 0.00008.
gnomAD v4.1: 72 of 1,613,706 alleles (0.0045%); highest among the groups gnomAD compares: Non-Finnish European, 0.006%; no homozygotes.

Submissions (9):

Labcorp Genetics (formerly Invitae), Labcorp
Classification: Pathogenic. Last evaluated: 2025-03-30. Review status: criteria provided, single submitter. Criteria: Invitae Variant Classification Sherloc (09022015). Collection method: clinical testing. Allele origin: germline.
Comment: This sequence change replaces leucine, which is neutral and non-polar, with proline, which is neutral and non-polar, at codon 527 of the PDE6B protein (p.Leu527Pro). This variant is present in population databases (rs760766981, gnomAD 0.01%). This missense change has been observed in individual(s) with autosomal recessive PDE6B-related conditions (PMID: 7724547, 28041643, 28559085, 30998820). In at least one individual the data is consistent with being in trans (on the opposite chromosome) from a pathogenic variant. It has also been observed to segregate with disease in related individuals. This variant is also known as T>C transition at position 18075. ClinVar contains an entry for this variant (Variation ID: 378339). Invitae Evidence Modeling of protein sequence and biophysical properties (such as structural, functional, and spatial information, amino acid conservation, physicochemical variation, residue mobility, and thermodynamic stability) has been performed for this missense variant. However, the output from this modeling did not meet the statistical confidence thresholds required to predict the impact of this variant on PDE6B protein function. For these reasons, this variant has been classified as Pathogenic.

Blueprint Genetics
Classification: Pathogenic for PDE6B-related disorders. Last evaluated: 2024-10-03. Review status: criteria provided, single submitter. Criteria: ACMG Guidelines, 2015. Collection method: clinical testing. Allele origin: germline. Affected: yes. Observed: 5 variant alleles.

Institute of Human Genetics, Univ. Regensburg, Univ. Regensburg
Classification: Likely pathogenic for Retinal dystrophy. Last evaluated: 2022-01-01. Review status: criteria provided, single submitter. Criteria: ACMG Guidelines, 2015. Collection method: clinical testing. Allele origin: germline. Affected: yes.

Ocular Genomics Institute, Massachusetts Eye and Ear
Classification: Uncertain significance for Retinitis pigmentosa 40. Last evaluated: 2021-04-08. Review status: criteria provided, single submitter. Criteria: ACMG Guidelines, 2015. Collection method: research. Allele origin: germline. Affected: yes.
Comment: Through a review of available evidence we were able to apply the following criteria: PM2, PM3. Based on this evidence we have classified this variant as Variant of Uncertain Significance.

Broad Center for Mendelian Genomics, Broad Institute of MIT and Harvard
Classification: Uncertain significance for Retinitis pigmentosa. Last evaluated: 2021-04-01. Review status: criteria provided, single submitter. Criteria: ACMG Guidelines, 2015. Collection method: curation. Allele origin: germline. Inheritance: Autosomal recessive inheritance. Affected: yes.
Comment: Through a review of available evidence we were able to apply the following criteria: PM2, PM3. Based on this evidence we have classified this variant as a Variant of Uncertain Significance. If you have any questions about the classification please reach out to the Pierce Lab.

Centre for Mendelian Genomics, University Medical Centre Ljubljana
Classification: Likely pathogenic for Retinitis pigmentosa 40. Last evaluated: 2020-03-07. Review status: criteria provided, single submitter. Criteria: ACMG Guidelines, 2015. Collection method: clinical testing. Allele origin: unknown. Affected: yes.
Comment: This variant was classified as: Likely pathogenic. The following ACMG criteria were applied in classifying this variant: PS4,PM1,PM2,PP3,PP4.

GeneDx
Classification: Likely pathogenic. Last evaluated: 2018-08-15. Review status: criteria provided, single submitter. Criteria: GeneDx Variant Classification (06012015). Collection method: clinical testing. Allele origin: germline. Affected: yes.
Comment: The L527P variant in the PDE6B gene has been reported previously in association with autosomal recessive retinitis pigmentosa (McLaughlin et al., 1995; Carss et al., 2017). The L527P variant is observed in 16/111,416 (0.0144%) alleles from individuals of non-Finnish European background in large population cohorts and no individuals were reported to be homozygous (Lek et al., 2016). The L527P variant is a semi-conservative amino acid substitution, which may impact secondary protein structure as these residues differ in some properties. In-silico analyses, including protein predictors and evolutionary conservation, support a deleterious effect. We interpret L527P as a likely pathogenic variant.

Illumina Laboratory Services, Illumina
Classification: Uncertain significance for Congenital stationary night blindness autosomal dominant 2. Last evaluated: 2017-04-28. Review status: criteria provided, single submitter. Criteria: ICSL Variant Classification Criteria 13 December 2019. Collection method: clinical testing. Allele origin: germline.

NIHR Bioresource Rare Diseases, University of Cambridge
Classification: Likely pathogenic for Retinitis pigmentosa. Last evaluated: 2015-01-01. Review status: no assertion criteria provided. Collection method: research. Allele origin: unknown. Affected: yes. Observed: 2 variant alleles. Not counted in ClinVar's aggregate classification.

Literature cited by the submitters: PubMed 7724547 (cited by 5 submitters); PubMed 28041643 (cited by 4 submitters); PubMed 28559085 (cited by 4 submitters); PubMed 30998820 (cited by Labcorp Genetics (formerly Invitae), Labcorp and Institute of Human Genetics, Univ. Regensburg, Univ. Regensburg); PubMed 31964843 (cited by Institute of Human Genetics, Univ. Regensburg, Univ. Regensburg); PubMed 32581362 (cited by Institute of Human Genetics, Univ. Regensburg, Univ. Regensburg); PubMed 32037395 (cited by Institute of Human Genetics, Univ. Regensburg, Univ. Regensburg); PubMed 34906470 (cited by Broad Center for Mendelian Genomics, Broad Institute of MIT and Harvard).